The following is an entry in ClinVar:

ClinVar aggregate classification (germline): Uncertain significance (1 of 4 stars; one submission).

Submission:

Labcorp Genetics (formerly Invitae), Labcorp
Classification: Uncertain significance. Last evaluated: 2023-12-07. Review status: criteria provided, single submitter. Criteria: Invitae Variant Classification Sherloc (09022015). Collection method: clinical testing. Allele origin: germline.
Comment: This sequence change replaces alanine, which is neutral and non-polar, with glycine, which is neutral and non-polar, at codon 715 of the LRPPRC protein (p.Ala715Gly). This variant is not present in population databases (gnomAD no frequency). This variant has not been reported in the literature in individuals affected with LRPPRC-related conditions. ClinVar contains an entry for this variant (Variation ID: 1353253). Advanced modeling of protein sequence and biophysical properties (such as structural, functional, and spatial information, amino acid conservation, physicochemical variation, residue mobility, and thermodynamic stability) performed at Invitae indicates that this missense variant is not expected to disrupt LRPPRC protein function with a negative predictive value of 80%. In summary, the available evidence is currently insufficient to determine the role of this variant in disease. Therefore, it has been classified as a Variant of Uncertain Significance.

NM_133259.4(LRPPRC):c.2144C>G (p.Ala715Gly)

Gene: LRPPRC (leucine rich pentatricopeptide repeat containing; minus strand). Cytogenetic location: 2p21.
Variant type: single nucleotide variant.
Coding change: c.2144C>G on transcript NM_133259.4 (MANE Select); coding-DNA position 2144, C replaced by G.
Protein change: p.Ala715Gly; replaces alanine 715 with glycine.
Molecular consequence: missense variant.
Genome position (GRCh38, 1-based): chr2:43,946,179, G>C on the plus strand (C>G on the coding strand, the complement: LRPPRC is on the minus strand). VCF-style: chr2-43946179-G-C. GRCh37 (hg19) VCF-style: chr2-44173318-G-C.
Other names: short protein forms A715G.
Identifiers: ClinVar variation 1353253 (VCV001353253.8), dbSNP rs2105082600, ClinGen allele CA346674570.
Genomic context (GRCh38, chr2:43,946,179, plus strand): 5'-TCTTTCAAGTTCAAGGCATCTTCTACTTTATCATGTCGACAGCATAAATTTATTAAAGCT[G>C]CATAGCCACCAGTAACCATGTCGGATTCATATTTTGCTTTCAATTCAAGGGCTTTTTGCA-3'
Protein context (NP_573566.2, residues 705-725): YESDMVTGGY[Ala715Gly]ALINLCCRHD